The following is an entry in ClinVar:

ClinVar aggregate classification (germline): Uncertain significance (0 of 4 stars; one submission).

Conditions:
FIBP-related disorder. Also called: FIBP-related condition.

Submission:

PreventionGenetics, part of Exact Sciences
Classification: Uncertain significance for FIBP-related condition. Last evaluated: 2024-09-07. Review status: no assertion criteria provided. Collection method: clinical testing. Allele origin: germline.
Comment: The FIBP c.519T>G variant is predicted to result in premature protein termination (p.Tyr173*). To our knowledge, this variant has not been reported in the literature or in a large population database, indicating this variant is rare. Although we suspect that this variant may be pathogenic, at this time, the clinical significance of this variant is uncertain due to the absence of conclusive functional and genetic evidence.

NM_004214.5(FIBP):c.519T>G (p.Tyr173Ter)

Gene: FIBP (FGF1 intracellular binding protein; minus strand). Cytogenetic location: 11q13.1.
Variant type: single nucleotide variant.
Coding change: c.519T>G on transcript NM_004214.5 (MANE Select); coding-DNA position 519, T replaced by G.
Protein change: p.Tyr173Ter; replaces tyrosine 173 with a stop codon.
Molecular consequence: nonsense.
Genome position (GRCh38, 1-based): chr11:65,885,657, A>C on the plus strand (T>G on the coding strand, the complement: FIBP is on the minus strand). VCF-style: chr11-65885657-A-C. GRCh37 (hg19) VCF-style: chr11-65653128-A-C.
Other names: c.519T>G, p.Tyr173Ter (NM_198897.2); short protein forms Y173*.
Identifiers: ClinVar variation 3347480 (VCV003347480.1).
Genomic context (GRCh38, chr11:65,885,657, plus strand): 5'-ATACTGCAGTTTTTTCTTCCCTGTCTCAAAGCGGTTGTTAGCAAAGAAGACGATGGCTGC[A>C]TAGTCCCTGCACAGACGAGAGGAGGGTCCTCTTAGGGCTTGAAATTCCTTCTTAGGAAGC-3'